The following is an entry in ClinVar:

ClinVar aggregate classification (germline): Uncertain significance (1 of 4 stars; one submission).

Allele frequency attached by ClinVar (database versions not stated): gnomAD exomes below 0.00001.
gnomAD v4.1: 1 of 1,573,648 alleles (0.000064%); highest among the groups gnomAD compares: Non-Finnish European, 0.000087%; no homozygotes.

Submission:

Ambry Genetics
Classification: Uncertain significance. Last evaluated: 2022-07-05. Review status: criteria provided, single submitter. Criteria: Ambry Variant Classification Scheme 2023. Collection method: clinical testing. Allele origin: germline.
Comment: The p.R310Q variant (also known as c.929G>A), located in coding exon 9 of the KIF1B gene, results from a G to A substitution at nucleotide position 929. The arginine at codon 310 is replaced by glutamine, an amino acid with highly similar properties. This amino acid position is conserved. In addition, this alteration is predicted to be deleterious by in silico analysis. Since supporting evidence is limited at this time, the clinical significance of this alteration remains unclear.

NM_001365951.3(KIF1B):c.947G>A (p.Arg316Gln)

Gene: KIF1B (kinesin family member 1B; plus strand). Cytogenetic location: 1p36.22.
Variant type: single nucleotide variant.
Coding change: c.947G>A on transcript NM_001365951.3 (MANE Select); coding-DNA position 947, G replaced by A.
Protein change: p.Arg316Gln; replaces arginine 316 with glutamine.
Molecular consequence: missense variant.
Genome position (GRCh38, 1-based): chr1:10,275,492, G>A. VCF-style: chr1-10275492-G-A. GRCh37 (hg19) VCF-style: chr1-10335550-G-A.
Other names: c.947G>A, p.Arg316Gln (NM_001365952.1); c.929G>A, p.Arg310Gln (NM_001365953.1, NM_015074.3, NM_183416.4); short protein forms R316Q, R310Q.
Identifiers: ClinVar variation 1766461 (VCV001766461.2), dbSNP rs2521149241, ClinGen allele CA338332610.